The following is an entry in ClinVar:

ClinVar aggregate classification (germline): Uncertain significance (1 of 4 stars; one submission).

Conditions:
Autosomal dominant limb-girdle muscular dystrophy type 1F (LGMDD2). Also called: Limb-girdle muscular dystrophy, type 1F; MUSCULAR DYSTROPHY, LIMB-GIRDLE, AUTOSOMAL DOMINANT 2. Identifiers: Orphanet 55595, MedGen C1842062, MONDO:0012034, OMIM 608423.

Submission:

Labcorp Genetics (formerly Invitae), Labcorp
Classification: Uncertain significance for Autosomal dominant limb-girdle muscular dystrophy type 1F. Last evaluated: 2022-09-29. Review status: criteria provided, single submitter. Criteria: Invitae Variant Classification Sherloc (09022015). Collection method: clinical testing. Allele origin: germline.
Comment: Advanced modeling of protein sequence and biophysical properties (such as structural, functional, and spatial information, amino acid conservation, physicochemical variation, residue mobility, and thermodynamic stability) performed at Invitae indicates that this missense variant is not expected to disrupt TNPO3 protein function. In summary, the available evidence is currently insufficient to determine the role of this variant in disease. Therefore, it has been classified as a Variant of Uncertain Significance. This sequence change replaces threonine, which is neutral and polar, with isoleucine, which is neutral and non-polar, at codon 622 of the TNPO3 protein (p.Thr622Ile). This variant is not present in population databases (gnomAD no frequency). This variant has not been reported in the literature in individuals affected with TNPO3-related conditions.

NM_012470.4(TNPO3):c.1865C>T (p.Thr622Ile)

Gene: TNPO3 (transportin 3; minus strand). Cytogenetic location: 7q32.1.
Variant type: single nucleotide variant.
Coding change: c.1865C>T on transcript NM_012470.4 (MANE Select); coding-DNA position 1865, C replaced by T.
Protein change: p.Thr622Ile; replaces threonine 622 with isoleucine.
Molecular consequence: missense variant. On other transcripts: non-coding transcript variant (14).
Genome position (GRCh38, 1-based): chr7:128,980,026, G>A on the plus strand (C>T on the coding strand, the complement: TNPO3 is on the minus strand). VCF-style: chr7-128980026-G-A. GRCh37 (hg19) VCF-style: chr7-128620080-G-A.
Other names: c.1673C>T, p.Thr558Ile (NM_001191028.3, NM_001382223.1); c.1967C>T, p.Thr656Ile (NM_001382216.1); c.1946C>T, p.Thr649Ile (NM_001382217.1); c.1865C>T, p.Thr622Ile (NM_001382218.1, NM_001382220.1); c.1757C>T, p.Thr586Ile (NM_001382219.1); c.1721C>T, p.Thr574Ile (NM_001382221.1); c.1718C>T, p.Thr573Ile (NM_001382222.1); short protein forms T558I, T573I, T622I, T586I, T649I, T656I, T574I.
Identifiers: ClinVar variation 2154125 (VCV002154125.4), dbSNP rs2536033507, ClinGen allele CA369222737.